The following is an entry in ClinVar:

ClinVar aggregate classification (germline): Pathogenic (1 of 4 stars; one submission).

Conditions:
Inborn genetic diseases. Identifiers: MedGen C0950123, MeSH D030342.

Submission:

Ambry Genetics
Classification: Pathogenic for Inborn genetic diseases. Last evaluated: 2025-05-06. Review status: criteria provided, single submitter. Criteria: Ambry Variant Classification Scheme 2023. Collection method: clinical testing. Allele origin: germline.
Comment: The c.2347_2365del19 (p.H783Ifs*14) alteration, located in exon 14 (coding exon 13) of the SCN8A gene, consists of a deletion of 19 nucleotides from position 2347 to 2365, causing a translational frameshift with a predicted alternate stop codon after 14 amino acids. This alteration is expected to result in loss of function by premature protein truncation or nonsense-mediated mRNA decay. for SCN8A-related neurodevelopmental disorder; however, its clinical significance for SCN8A-related seizure disorder is uncertain. Although loss of function of SCN8A has been associated with SCN8A-related neurodevelopmental disorder, loss of function of SCN8A has not been established as a mechanism of disease for SCN8A-related seizure disorder. This variant was not reported in population-based cohorts in the Genome Aggregation Database (gnomAD). Based on the available evidence, this alteration is classified as pathogenic.

NM_001330260.2(SCN8A):c.2347_2365del (p.His783fs)

Gene: SCN8A (sodium voltage-gated channel alpha subunit 8; plus strand). Cytogenetic location: 12q13.13.
Variant type: Deletion.
Coding change: c.2347_2365del on transcript NM_001330260.2 (MANE Select); coding-DNA positions 2347 to 2365, 19 bases deleted (CATGTCTTGGCTGTAGGAA).
Protein change: p.His783fs; shifts the reading frame from histidine 783.
Molecular consequence: frameshift variant.
Genome position (GRCh38, 1-based): chr12:51,751,570-51,751,588, CATGTCTTGGCTGTAGGAA deleted; deleting any 19 consecutive bases within chr12:51,751,567-51,751,588 gives the same sequence; the c. name uses the placement nearest the transcript's 3' end. VCF-style (leftmost placement, unchanged base first): chr12-51751566-TGAACATGTCTTGGCTGTAG-T. GRCh37 (hg19) VCF-style: chr12-52145350-TGAACATGTCTTGGCTGTAG-T.
Other names: c.2347_2365del, p.His783fs (NM_001177984.3, NM_001369788.1, NM_014191.4); short protein forms H783fs.
Identifiers: ClinVar variation 3951000 (VCV003951000.1).
Genomic context (GRCh38, chr12:51,751,566, plus strand): 5'-CTGCATCGTCCTGAATACACTGTTTATGGCAATGGAGCACCATCCTATGACACCACAATT[TGAACATGTCTTGGCTGTAG>T]GAAATCTGGTAAGATGGAACACTGTCTCCCGATATTAGGATTGGAATGTGTTTTGCCTGT-3'